The following is an entry in ClinVar:

ClinVar aggregate classification (germline): Likely benign (1 of 4 stars; one submission).

Allele frequency attached by ClinVar (database versions not stated): 1000 Genomes Project 0.00220; 1000 Genomes Project 30x 0.00203; ExAC 0.00269; gnomAD 0.00333; TOPMed 0.00333; gnomAD exomes 0.00527.
gnomAD v4.1: 6,488 of 1,289,406 alleles (0.5%); highest among the groups gnomAD compares: Non-Finnish European, 0.6%; 27 homozygotes.

Submission:

CeGaT Center for Human Genetics Tuebingen
Classification: Likely benign. Last evaluated: 2026-07-01. Review status: criteria provided, single submitter. Criteria: CeGaT Center For Human Genetics Tuebingen Variant Classification Criteria Version 2. Collection method: clinical testing. Allele origin: germline. Affected: yes. Observed: 6 variant alleles.
Comment: TMEM80: BP4, BP7, BS2; DEAF1: BS2

NM_001367390.1(DEAF1):c.-438+2046C>T

Genes: DEAF1 (DEAF1 transcription factor; minus strand), TMEM80 (transmembrane protein 80; plus strand). Cytogenetic location: 11p15.5.
Variant type: single nucleotide variant.
Coding change: c.-438+2046C>T on transcript NM_001367390.1; 2046 bases into the intron after 438 bases upstream of the start codon, C replaced by T.
Molecular consequence: intron variant. On other transcripts: synonymous variant (1).
Genome position (GRCh38, 1-based): chr11:704,526, G>A on the plus strand (C>T on the coding strand, the complement: DEAF1 is on the minus strand). VCF-style: chr11-704526-G-A. GRCh37 (hg19) VCF-style: chr11-704526-G-A.
Other names: c.513G>A, p.Ala171= (NM_001276274.2).
Identifiers: ClinVar variation 2641089 (VCV002641089.22), dbSNP rs182094319, ClinGen allele CA5786918.